The following is an entry in ClinVar:

NM_032273.4(TMEM126A):c.67C>G (p.Gln23Glu)

Gene: TMEM126A (transmembrane protein 126A; plus strand). Cytogenetic location: 11q14.1.
Variant type: single nucleotide variant.
Coding change: c.67C>G on transcript NM_032273.4 (MANE Select); coding-DNA position 67, C replaced by G.
Protein change: p.Gln23Glu; replaces glutamine 23 with glutamic acid.
Molecular consequence: missense variant. On other transcripts: intron variant (1).
Genome position (GRCh38, 1-based): chr11:85,650,322, C>G. VCF-style: chr11-85650322-C-G. GRCh37 (hg19) VCF-style: chr11-85361366-C-G.
Other names: c.-125+2233C>G (NM_001244735.2); short protein forms Q23E.
Identifiers: ClinVar variation 2048347 (VCV002048347.4), dbSNP rs2547850301, ClinGen allele CA381995028.
Genomic context (GRCh38, chr11:85,650,322, plus strand): 5'-AATCATAAATCCAATAATAAGGAAAACATAACAATTGTTGATATATCCAGAAAAATTAAC[C>G]AGCTTCCAGAAGCAGAAAGGTAAGATCCCTTCTTAATTTAAAAACACCTTTTATCAGGTG-3'
Protein context (NP_115649.1, residues 13-33): TIVDISRKIN[Gln23Glu]LPEAERNLLE

ClinVar aggregate classification (germline): Uncertain significance (1 of 4 stars; one submission).

Submission:

Labcorp Genetics (formerly Invitae), Labcorp
Classification: Uncertain significance. Last evaluated: 2021-12-19. Review status: criteria provided, single submitter. Criteria: Invitae Variant Classification Sherloc (09022015). Collection method: clinical testing. Allele origin: germline.
Comment: This variant is not present in population databases (gnomAD no frequency). In summary, the available evidence is currently insufficient to determine the role of this variant in disease. Therefore, it has been classified as a Variant of Uncertain Significance. Algorithms developed to predict the effect of missense changes on protein structure and function (SIFT, PolyPhen-2, Align-GVGD) all suggest that this variant is likely to be tolerated. This variant has not been reported in the literature in individuals affected with TMEM126A-related conditions. This sequence change replaces glutamine, which is neutral and polar, with glutamic acid, which is acidic and polar, at codon 23 of the TMEM126A protein (p.Gln23Glu).